The following is an entry in ClinVar:

NM_001165963.4(SCN1A):c.3879+1dup

Genes: SCN1A (sodium voltage-gated channel alpha subunit 1; minus strand), LOC102724058 (uncharacterized LOC102724058; plus strand). Cytogenetic location: 2q24.3.
Variant type: Duplication.
Coding change: c.3879+1dup on transcript NM_001165963.4 (MANE Select); the canonical splice donor site of the intron after coding-DNA position 3879, one base duplicated (G; older notation c.3879+1dupG).
Molecular consequence: splice donor variant.
Genome position (GRCh38, 1-based): chr2:166,012,108, C duplicated on the plus strand (G on the coding strand, the reverse complement: SCN1A is on the minus strand). VCF-style (leftmost placement, unchanged base first): chr2-166012107-A-AC. GRCh37 (hg19) VCF-style: chr2-166868617-A-AC.
Other names: c.3846+1dup (NM_001353949.2, NM_001353950.2, NM_001353951.2 and 2 more transcripts); c.3795+1dup (NM_001353958.2, NM_001353957.2, NM_001165964.3); c.3879+1dup (NM_001202435.3, NM_001353948.2); c.3843+1dup (NM_001353955.2, NM_001353954.2); c.3792+1dup (NM_001353960.2); c.1437+1dup (NM_001353961.2).
Identifiers: ClinVar variation 4720664 (VCV004720664.1).

ClinVar aggregate classification (germline): Likely pathogenic (1 of 4 stars; one submission).

Conditions:
Early-infantile DEE. Also called: Early infantile epileptic encephalopathy with suppression bursts; Early infantile epileptic encephalopathy; Ohtahara syndrome. Identifiers: Orphanet 1934, MedGen C0393706, MONDO:0800491.

Submission:

Labcorp Genetics (formerly Invitae), Labcorp
Classification: Likely pathogenic for Early-infantile DEE. Last evaluated: 2025-06-09. Review status: criteria provided, single submitter. Criteria: Invitae Variant Classification Sherloc (09022015). Collection method: clinical testing. Allele origin: germline.
Comment: This sequence change affects a splice site in intron 19 of the SCN1A gene. It is expected to disrupt RNA splicing. Variants that disrupt the donor or acceptor splice site typically lead to a loss of protein function (PMID: 16199547), and loss-of-function variants in SCN1A are known to be pathogenic (PMID: 17347258, 18930999). This variant is not present in population databases (gnomAD no frequency). This variant has not been reported in the literature in individuals affected with SCN1A-related conditions. Algorithms developed to predict the effect of sequence changes on RNA splicing suggest that this variant may disrupt the consensus splice site. In summary, the currently available evidence indicates that the variant is pathogenic, but additional data are needed to prove that conclusively. Therefore, this variant has been classified as Likely Pathogenic.

Literature cited by the submitters: PubMed 16199547; PubMed 17347258; PubMed 18930999.